The following is an entry in ClinVar:

NM_001148.6(ANK2):c.10603A>G (p.Thr3535Ala)

Gene: ANK2 (ankyrin 2; plus strand). Cytogenetic location: 4q26.
Variant type: single nucleotide variant.
Coding change: c.10603A>G on transcript NM_001148.6 (MANE Select); coding-DNA position 10603, A replaced by G.
Protein change: p.Thr3535Ala; replaces threonine 3535 with alanine.
Molecular consequence: missense variant. On other transcripts: intron variant (68).
Genome position (GRCh38, 1-based): chr4:113,359,221, A>G. VCF-style: chr4-113359221-A-G. GRCh37 (hg19) VCF-style: chr4-114280377-A-G.
Other names: c.10369A>G, p.Thr3457Ala (NM_001386142.1); c.7003A>G, p.Thr2335Ala (NM_001386166.1); c.10744A>G, p.Thr3582Ala (NM_001386174.1); c.10720A>G, p.Thr3574Ala (NM_001386175.1); c.4412-1602A>G (NM_001386186.2, NM_001386148.2); c.4214-1602A>G (NM_001354269.3); c.4292-1602A>G (NM_001386187.2); c.4253-1602A>G (NM_001386147.1); and 35 more; short protein forms T2335A, T3457A, T3535A, T3574A, T3582A.
Identifiers: ClinVar variation 3234755 (VCV003234755.20), dbSNP rs2096041222, ClinGen allele CA357940789.

ClinVar aggregate classification (germline): Uncertain significance (1 of 4 stars; one submission).

Allele frequency attached by ClinVar (database versions not stated): gnomAD exomes below 0.00001.
gnomAD v4.1: 1 of 1,613,712 alleles (0.000062%); highest among the groups gnomAD compares: Non-Finnish European, 0.000085%; no homozygotes.

Submission:

CeGaT Center for Human Genetics Tuebingen
Classification: Uncertain significance. Last evaluated: 2024-04-01. Review status: criteria provided, single submitter. Criteria: CeGaT Center For Human Genetics Tuebingen Variant Classification Criteria Version 2. Collection method: clinical testing. Allele origin: germline. Affected: yes. Observed: 1 variant allele.
Comment: ANK2: PM2